The following is an entry in ClinVar:

ClinVar aggregate classification (germline): Uncertain significance (1 of 4 stars; one submission).

Allele frequency attached by ClinVar (database versions not stated): TOPMed below 0.00001; gnomAD 0.00001; gnomAD exomes 0.00002.

Submission:

Labcorp Genetics (formerly Invitae), Labcorp
Classification: Uncertain significance. Last evaluated: 2025-01-29. Review status: criteria provided, single submitter. Criteria: Invitae Variant Classification Sherloc (09022015). Collection method: clinical testing. Allele origin: germline.
Comment: This sequence change replaces histidine, which is basic and polar, with proline, which is neutral and non-polar, at codon 73 of the ANGPT1 protein (p.His73Pro). This variant is not present in population databases (gnomAD no frequency). This variant has not been reported in the literature in individuals affected with ANGPT1-related conditions. ClinVar contains an entry for this variant (Variation ID: 2179193). An algorithm developed to predict the effect of missense changes on protein structure and function (PolyPhen-2) suggests that this variant is likely to be tolerated. In summary, the available evidence is currently insufficient to determine the role of this variant in disease. Therefore, it has been classified as a Variant of Uncertain Significance.

NM_001146.5(ANGPT1):c.218A>C (p.His73Pro)

Gene: ANGPT1 (angiopoietin 1; minus strand). Cytogenetic location: 8q23.1.
Variant type: single nucleotide variant.
Coding change: c.218A>C on transcript NM_001146.5 (MANE Select); coding-DNA position 218, A replaced by C.
Protein change: p.His73Pro; replaces histidine 73 with proline.
Molecular consequence: missense variant.
Genome position (GRCh38, 1-based): chr8:107,497,341, T>G on the plus strand (A>C on the coding strand, the complement: ANGPT1 is on the minus strand). VCF-style: chr8-107497341-T-G. GRCh37 (hg19) VCF-style: chr8-108509569-T-G.
Other names: c.218A>C, p.His73Pro (NM_001199859.3); short protein forms H73P.
Identifiers: ClinVar variation 2179193 (VCV002179193.4), dbSNP rs1446447342, ClinGen allele CA372035268.